The following is an entry in ClinVar:

ClinVar aggregate classification (germline): Likely benign (1 of 4 stars; one submission).

Allele frequency attached by ClinVar (database versions not stated): TOPMed 0.00002; gnomAD 0.00003 and 0.00004.
gnomAD v4.1: 5 of 1,614,108 alleles (0.00031%); highest among the groups gnomAD compares: African/African-American, 0.0067%; no homozygotes.

Submission:

GeneDx
Classification: Likely benign. Last evaluated: 2017-05-02. Review status: criteria provided, single submitter. Criteria: GeneDx Variant Classification (06012015). Collection method: clinical testing. Allele origin: germline. Affected: yes.
Comment: This variant is considered likely benign or benign based on one or more of the following criteria: it is a conservative change, it occurs at a poorly conserved position in the protein, it is predicted to be benign by multiple in silico algorithms, and/or has population frequency not consistent with disease.

NM_025215.6(PUS1):c.783C>G (p.Arg261=)

Gene: PUS1 (pseudouridine synthase 1; plus strand). Cytogenetic location: 12q24.33.
Variant type: single nucleotide variant.
Coding change: c.783C>G on transcript NM_025215.6 (MANE Select); coding-DNA position 783, C replaced by G.
Protein change: p.Arg261=; no amino-acid change (arginine 261 retained).
Molecular consequence: synonymous variant.
Genome position (GRCh38, 1-based): chr12:131,941,530, C>G. VCF-style: chr12-131941530-C-G. GRCh37 (hg19) VCF-style: chr12-132426075-C-G.
Other names: c.699C>G, p.Arg233= (NM_001002019.3, NM_001002020.3).
Identifiers: ClinVar variation 509073 (VCV000509073.1), dbSNP rs1242562160, ClinGen allele CA482842206.
Genomic context (GRCh38, chr12:131,941,530, plus strand): 5'-CACGCACAACTTCCACAATTTCACCTCGCAGAAGGGGCCGCAGGATCCCAGTGCCTGCCG[C>G]TACATCCTGGAGATGTACTGCGAGGAACCCTTTGTGCGGGAGGGCCTGGAGTTTGCGGTG-3'
Protein context (NP_079491.2, residues 251-271): QKGPQDPSAC[Arg261=]YILEMYCEEP